The following is an entry in ClinVar:

ClinVar aggregate classification (germline): Uncertain significance (1 of 4 stars; one submission).

Allele frequency attached by ClinVar (database versions not stated): TOPMed below 0.00001.

Submission:

Labcorp Genetics (formerly Invitae), Labcorp
Classification: Uncertain significance. Last evaluated: 2020-11-10. Review status: criteria provided, single submitter. Criteria: Invitae Variant Classification Sherloc (09022015). Collection method: clinical testing. Allele origin: germline.
Comment: Algorithms developed to predict the effect of missense changes on protein structure and function are either unavailable or do not agree on the potential impact of this missense change (SIFT: "Deleterious"; PolyPhen-2: "Possibly Damaging"; Align-GVGD: "Class C15"). This sequence change replaces glutamine with histidine at codon 54 of the ATOH7 protein (p.Gln54His). The glutamine residue is highly conserved and there is a small physicochemical difference between glutamine and histidine. This variant is not present in population databases (ExAC no frequency). This variant has not been reported in the literature in individuals with ATOH7-related conditions. In summary, the available evidence is currently insufficient to determine the role of this variant in disease. Therefore, it has been classified as a Variant of Uncertain Significance.

NM_145178.4(ATOH7):c.162G>C (p.Gln54His)

Gene: ATOH7 (atonal bHLH transcription factor 7; minus strand). Cytogenetic location: 10q21.3.
Variant type: single nucleotide variant.
Coding change: c.162G>C on transcript NM_145178.4 (MANE Select); coding-DNA position 162, G replaced by C.
Protein change: p.Gln54His; replaces glutamine 54 with histidine.
Molecular consequence: missense variant.
Genome position (GRCh38, 1-based): chr10:68,231,516, C>G on the plus strand (G>C on the coding strand, the complement: ATOH7 is on the minus strand). VCF-style: chr10-68231516-C-G. GRCh37 (hg19) VCF-style: chr10-69991273-C-G.
Other names: short protein forms Q54H.
Identifiers: ClinVar variation 1360120 (VCV001360120.8), dbSNP rs1176270290, ClinGen allele CA376837074.